The following is an entry in ClinVar:

ClinVar aggregate classification (germline): Uncertain significance (1 of 4 stars; one submission).

Conditions:
Hypertrophic cardiomyopathy 26. Also called: Cardiomyopathy, familial hypertrophic, 26. Identifiers: Orphanet 75249, MedGen C4310749, MONDO:0014883, OMIM 617047.

Submission:

Victorian Clinical Genetics Services, Murdoch Childrens Research Institute
Classification: Uncertain significance for Hypertrophic cardiomyopathy 26. Last evaluated: 2022-03-31. Review status: criteria provided, single submitter. Criteria: ACMG Guidelines, 2015. Collection method: clinical testing. Allele origin: germline. Inheritance: Autosomal dominant inheritance.
Comment: Based on the classification scheme VCGS_Germline_v1.3.4, this variant is classified as VUS-3B. Following criteria are met: 0103 - Loss of function and gain of function are known mechanisms of disease in this gene. Loss of function is the established mechanism of disease for variants in dilated cardiomyopathy, hypertrophic cardiomyopathy, restrictive cardiomyopathy (MIM#617047) and myofibrillar myopathy (MIM#609524), and recently has been associated with arrhythmogenic right ventricular cardiomyopathy (ARVC; PMID: 31627847). In distal myopathy (MIM#614065), NMD-predicted variants cause a loss of function, however missense variants have been shown to result in a toxic gain of function (PMID: 32112656). (I) 0107 - This gene is associated with autosomal dominant disease (OMIM). (I) 0213 - In-frame insertion/deletion in a non-repetitive region that has high conservation. (SP) 0251 - This variant is heterozygous. (I) 0301 - Variant is absent from gnomAD (both v2 and v3). (SP) 0604 - Variant is not located in an established domain, motif, hotspot or informative constraint region. (I) 0705 - No comparable inframe variants have previous evidence for pathogenicity. (I) 0807 - This variant has no previous evidence of pathogenicity. (I) 0905 - No published segregation evidence has been identified for this variant. (I) 1007 - No published functional evidence has been identified for this variant. (I) 1208 - Inheritance information for this variant is not currently available in this individual. (I) Legend: (SP) - Supporting pathogenic, (I) - Information, (SB) - Supporting benign

Literature cited by the submitters: PubMed 31627847; PubMed 32112656.

NM_001458.5(FLNC):c.5969_5983del (p.Pro1990_Lys1994del)

Genes: FLNC (filamin C; plus strand), FLNC-AS1 (FLNC antisense RNA 1; minus strand). Cytogenetic location: 7q32.1.
Variant type: Deletion.
Coding change: c.5969_5983del on transcript NM_001458.5 (MANE Select); coding-DNA positions 5969 to 5983, 15 bases deleted (CCTGCCTGCTGAAGC).
Protein change: p.Pro1990_Lys1994del.
Molecular consequence: inframe deletion. On other transcripts: inframe indel (1).
Genome position (GRCh38, 1-based): chr7:128,852,717-128,852,731, CCTGCCTGCTGAAGC deleted; deleting any 15 consecutive bases within chr7:128,852,714-128,852,731 gives the same sequence; the c. name uses the placement nearest the transcript's 3' end. VCF-style (leftmost placement, unchanged base first): chr7-128852713-GAGCCCTGCCTGCTGA-G. GRCh37 (hg19) VCF-style: chr7-128492767-GAGCCCTGCCTGCTGA-G.
Other names: c.5870_5884del, p.Pro1957_Lys1961del (NM_001127487.2); c.5969_5983delCCTGCCTGCTGAAGC, p.Pro1990_Lys1994del (NM_001458.4).
Identifiers: ClinVar variation 1805435 (VCV001805435.1), dbSNP rs2536659471, ClinGen allele CA2573102946.